The following is an entry in ClinVar:

NM_003850.3(SUCLA2):c.1228+211G>A

Gene: SUCLA2 (succinate-CoA ligase ADP-forming subunit beta; minus strand). Cytogenetic location: 13q14.2.
Variant type: single nucleotide variant.
Coding change: c.1228+211G>A on transcript NM_003850.3 (MANE Select); 211 bases into the intron after coding-DNA position 1228, G replaced by A.
Molecular consequence: intron variant.
Genome position (GRCh38, 1-based): chr13:47,949,272, C>T on the plus strand (G>A on the coding strand, the complement: SUCLA2 is on the minus strand). VCF-style: chr13-47949272-C-T. GRCh37 (hg19) VCF-style: chr13-48523407-C-T.
Identifiers: ClinVar variation 670149 (VCV000670149.1), dbSNP rs4941619, ClinGen allele CA249817858.

ClinVar aggregate classification (germline): Benign (1 of 4 stars; one submission).

Allele frequency attached by ClinVar (database versions not stated): gnomAD 0.17928 and 0.18014; TOPMed 0.19759; 1000 Genomes Project 0.21885; 1000 Genomes Project 30x 0.22408.
gnomAD v4.1: 27,080 of 152,054 alleles (18%); highest among the groups gnomAD compares: African/African-American, 34%; 3,453 homozygotes.

Submission:

GeneDx
Classification: Benign. Last evaluated: 2018-06-14. Review status: criteria provided, single submitter. Criteria: GeneDx Variant Classification (06012015). Collection method: clinical testing. Allele origin: germline. Affected: yes.
Comment: This variant is considered likely benign or benign based on one or more of the following criteria: it is a conservative change, it occurs at a poorly conserved position in the protein, it is predicted to be benign by multiple in silico algorithms, and/or has population frequency not consistent with disease.